The following is an entry in ClinVar:

ClinVar aggregate classification (germline): Likely benign (1 of 4 stars; one submission).

Conditions:
Interstitial lung disease due to ABCA3 deficiency. Also called: PULMONARY ALVEOLAR PROTEINOSIS, CONGENITAL, 3. Identifiers: Orphanet 440402, MedGen C1970456, MONDO:0012582, OMIM 610921.

Allele frequency attached by ClinVar (database versions not stated): gnomAD exomes 0.00020 and 0.00040; ExAC 0.00070; 1000 Genomes Project 30x 0.00156; 1000 Genomes Project 0.00160; gnomAD 0.00204 and 0.00224; TOPMed 0.00215; ESP Exome Variant Server 0.00244.
gnomAD v4.1: 384 of 515,946 alleles (0.074%); highest among the groups gnomAD compares: African/African-American, 0.67%; 1 homozygote.

Submission:

Illumina Laboratory Services, Illumina
Classification: Likely benign for Interstitial lung disease due to ABCA3 deficiency. Last evaluated: 2018-01-12. Review status: criteria provided, single submitter. Criteria: ICSL Variant Classification Criteria 13 December 2019. Collection method: clinical testing. Allele origin: germline.
Comment: This variant was observed in the ICSL laboratory as part of a predisposition screen in an ostensibly healthy population. It had not been previously curated by ICSL or reported in the Human Gene Mutation Database (HGMD: prior to June 1st, 2018), and was therefore a candidate for classification through an automated scoring system. Utilizing variant allele frequency, disease prevalence and penetrance estimates, and inheritance mode, an automated score was calculated to assess if this variant is too frequent to cause the disease. Based on the score and internal cut-off values, a variant classified as likely benign is not then subjected to further curation. The score for this variant resulted in a classification of likely benign for this disease.

NM_001089.3(ABCA3):c.-120C>T

Gene: ABCA3 (ATP binding cassette subfamily A member 3; minus strand). Cytogenetic location: 16p13.3.
Variant type: single nucleotide variant.
Coding change: c.-120C>T on transcript NM_001089.3 (MANE Select); 120 bases upstream of the start codon, C replaced by T.
Molecular consequence: 5 prime UTR variant.
Genome position (GRCh38, 1-based): chr16:2,328,546, G>A on the plus strand (C>T on the coding strand, the complement: ABCA3 is on the minus strand). VCF-style: chr16-2328546-G-A. GRCh37 (hg19) VCF-style: chr16-2378547-G-A.
Identifiers: ClinVar variation 318582 (VCV000318582.5), dbSNP rs370407638, ClinGen allele CA7841879.